The following is an entry in ClinVar:

NM_021814.5(ELOVL5):c.729T>G (p.Ile243Met)

Gene: ELOVL5 (ELOVL fatty acid elongase 5; minus strand). Cytogenetic location: 6p12.1.
Variant type: single nucleotide variant.
Coding change: c.729T>G on transcript NM_021814.5 (MANE Select); coding-DNA position 729, T replaced by G.
Protein change: p.Ile243Met; replaces isoleucine 243 with methionine.
Molecular consequence: missense variant.
Genome position (GRCh38, 1-based): chr6:53,270,620, A>C on the plus strand (T>G on the coding strand, the complement: ELOVL5 is on the minus strand). VCF-style: chr6-53270620-A-C. GRCh37 (hg19) VCF-style: chr6-53135418-A-C.
Other names: c.810T>G, p.Ile270Met (NM_001242828.2); c.604T>G, p.Cys202Gly (NM_001242830.2); c.729T>G, p.Ile243Met (NM_001301856.2); short protein forms C202G, I243M, I270M.
Identifiers: ClinVar variation 4711849 (VCV004711849.1).

ClinVar aggregate classification (germline): Uncertain significance (1 of 4 stars; one submission).

Submission:

Labcorp Genetics (formerly Invitae), Labcorp
Classification: Uncertain significance. Last evaluated: 2025-07-01. Review status: criteria provided, single submitter. Criteria: Invitae Variant Classification Sherloc (09022015). Collection method: clinical testing. Allele origin: germline.
Comment: This sequence change replaces isoleucine, which is neutral and non-polar, with methionine, which is neutral and non-polar, at codon 243 of the ELOVL5 protein (p.Ile243Met). This variant is not present in population databases (gnomAD no frequency). This variant has not been reported in the literature in individuals affected with ELOVL5-related conditions. Invitae Evidence Modeling of protein sequence and biophysical properties (such as structural, functional, and spatial information, amino acid conservation, physicochemical variation, residue mobility, and thermodynamic stability) indicates that this missense variant is not expected to disrupt ELOVL5 protein function with a negative predictive value of 80%. In summary, the available evidence is currently insufficient to determine the role of this variant in disease. Therefore, it has been classified as a Variant of Uncertain Significance.